The following is an entry in ClinVar:

NM_000157.4(GBA1):c.1251G>C (p.Trp417Cys)

Genes: GBA1 (glucosylceramidase beta 1; minus strand), LOC106627981 (GBA recombination region; plus strand). Cytogenetic location: 1q22.
Variant type: single nucleotide variant.
Coding change: c.1251G>C on transcript NM_000157.4 (MANE Select); coding-DNA position 1251, G replaced by C.
Protein change: p.Trp417Cys; replaces tryptophan 417 with cysteine.
Molecular consequence: missense variant.
Genome position (GRCh38, 1-based): chr1:155,235,818, C>G on the plus strand (G>C on the coding strand, the complement: GBA1 is on the minus strand). VCF-style: chr1-155235818-C-G. GRCh37 (hg19) VCF-style: chr1-155205609-C-G.
Other names: c.990G>C, p.Trp330Cys (NM_001171811.2); c.1104G>C, p.Trp368Cys (NM_001171812.2); c.1251G>C, p.Trp417Cys (NM_001005741.3, NM_001005742.3); short protein forms W330C, W368C, W417C.
Identifiers: ClinVar variation 4817704 (VCV004817704.1).
Genomic context (GRCh38, chr1:155,235,818, plus strand): 5'-GACAAAGTTACGCACCCAATTGGGTCCTCCTTCGGGGTTCAGGGCAAGGTTCCAGTCGGT[C>G]CAGCCGACCACATGGTACAGGAGGTTCTAGGGTAAGGACAAAGGCAAAGAGACAAAGGCG-3'
Protein context (NP_000148.2, residues 407-427): ITNLLYHVVG[Trp417Cys]TDWNLALNPE

ClinVar aggregate classification (germline): Pathogenic (1 of 4 stars; one submission).

Conditions:
Gaucher disease. Also called: Acute cerebral Gaucher disease; Cerebroside lipidosis syndrome; Gaucher splenomegaly; Sphingolipidosis 1; Glucocerebrosidosis; Glucosylceramidase deficiency. Identifiers: Orphanet 355, MedGen C0017205, MONDO:0018150.

Submission:

Natera, Inc.
Classification: Pathogenic for Gaucher disease. Last evaluated: 2026-01-12. Review status: criteria provided, single submitter. Criteria: Natera Variant Classification Schema (03/2026). Collection method: clinical testing. Allele origin: germline.
Comment: The c.1251G>C variant in GBA1 is a missense variant predicted to cause substitution of tryptophan to cysteine at amino acid 417. This variant is rare in the general population with a frequency below the threshold expected for the associated phenotype(s). This variant has been observed in one or more individuals affected with the associated recessive disease, as either homozygous or compound heterozygous with a second variant (PMID: 23430543). A different variant at the same position has been determined to be Pathogenic or Likely Pathogenic. Computational prediction algorithms indicate this variant is likely to affect gene or protein function. Given the available evidence, this variant is classified as Pathogenic.

Literature cited by the submitters: PubMed 23430543.